The following is an entry in ClinVar:

NM_000406.3(GNRHR):c.504T>A (p.Ser168Arg)

Gene: GNRHR (gonadotropin releasing hormone receptor; minus strand). Cytogenetic location: 4q13.2.
Variant type: single nucleotide variant.
Coding change: c.504T>A on transcript NM_000406.3 (MANE Select); coding-DNA position 504, T replaced by A.
Protein change: p.Ser168Arg; replaces serine 168 with arginine.
Molecular consequence: missense variant.
Genome position (GRCh38, 1-based): chr4:67,753,832, A>T on the plus strand (T>A on the coding strand, the complement: GNRHR is on the minus strand). VCF-style: chr4-67753832-A-T. GRCh37 (hg19) VCF-style: chr4-68619550-A-T.
Other names: c.504T>A, p.Ser168Arg (NM_001012763.2); short protein forms S168R.
Identifiers: ClinVar variation 16028 (VCV000016028.4), dbSNP rs104893840, ClinGen allele CA130205.
Genomic context (GRCh38, chr4:67,753,832, plus strand): 5'-TATGATCACCATATCCAAATAAGTTTGTGTATAATGGCTTACCTGTGGTCCTGCAAAGAC[A>T]CTACTGAGGATCCAGGCCAGGCCAACCATGGACTGTCCGACTTTGCTGTTGCTTTTCAAA-3'
Protein context (NP_000397.1, residues 158-178): SMVGLAWILS[Ser168Arg]VFAGPQLYIF

ClinVar aggregate classification (germline): Pathogenic. Review status: criteria provided, multiple submitters, no conflicts (2 of 4 stars). 4 submissions from 4 submitters: Pathogenic (2). 2 of the submissions do not count toward it. Last evaluated 2024-06-17.

Conditions:
Hypogonadotropic hypogonadism 7 with or without anosmia (HH7). Also called: HYPOGONADOTROPIC HYPOGONADISM 7 WITHOUT ANOSMIA; GNRHR-Related GnRH Deficiency. Identifiers: Orphanet 432, MedGen C0342384, MONDO:0007794, OMIM 146110.
Amenorrhea. Identifiers: MedGen C0002453, MONDO:0001836, HP:0000141.

Submissions (4):

Fulgent Genetics
Classification: Pathogenic for Hypogonadotropic hypogonadism 7 with or without anosmia. Last evaluated: 2024-06-17. Review status: criteria provided, single submitter. Criteria: ACMG Guidelines, 2015. Collection method: clinical testing. Allele origin: germline.

Women's Health and Genetics/Laboratory Corporation of America, LabCorp
Classification: Pathogenic for Hypogonadotropic hypogonadism 7 with or without anosmia. Last evaluated: 2024-06-13. Review status: criteria provided, single submitter. Criteria: LabCorp Variant Classification Summary - May 2015. Collection method: clinical testing. Allele origin: germline.
Comment: Variant summary: GNRHR c.504T>A (p.Ser168Arg) results in a non-conservative amino acid change located in the GPCR, rhodopsin-like, 7TM domain (IPR017452) of the encoded protein sequence. Three of five in-silico tools predict a benign effect of the variant on protein function. The variant was absent in 250040 control chromosomes. c.504T>A has been reported in the literature in multiple homozygous individuals affected with Hypogonadotropic Hypogonadism 7 With Or Without Anosmia (e.g. Leanos-Miranda_2002, Fathi_2012, Pralong_1999). These data indicate that the variant is very likely to be associated with disease. At least one publication reports experimental evidence evaluating an impact on protein function. The most pronounced variant effect results in loss of receptor function in transfected COS-7 cells (Pralong_1999). The following publications have been ascertained in the context of this evaluation (PMID: 23155690, 12364481, 10523035). ClinVar contains an entry for this variant (Variation ID: 16028). Based on the evidence outlined above, the variant was classified as pathogenic.

Yale Center for Mendelian Genomics, Yale University
Classification: Uncertain significance for Amenorrhea. Last evaluated: 2021-03-08. Review status: no assertion criteria provided. Collection method: literature only. Allele origin: unknown. Affected: yes. Observed: 1 heterozygote. Study: Yale Center for Mendelian Genomics. Not counted in ClinVar's aggregate classification.

OMIM
Classification: Pathogenic for HYPOGONADOTROPIC HYPOGONADISM 7 WITHOUT ANOSMIA. Last evaluated: 1999-10-01. Review status: no assertion criteria provided. Collection method: literature only. Allele origin: germline. Not counted in ClinVar's aggregate classification.

Literature cited by the submitters: PubMed 12364481 (cited by Women's Health and Genetics/Laboratory Corporation of America, LabCorp); PubMed 23155690 (cited by Women's Health and Genetics/Laboratory Corporation of America, LabCorp); PubMed 10523035 (cited by Women's Health and Genetics/Laboratory Corporation of America, LabCorp and OMIM); PubMed 32870266 (cited by Yale Center for Mendelian Genomics, Yale University).